The following is an entry in ClinVar:

NM_000059.4(BRCA2):c.7666_7667dup (p.Asn2556fs)

Gene: BRCA2 (BRCA2 DNA repair associated; plus strand). Cytogenetic location: 13q13.1.
Variant type: Duplication.
Coding change: c.7666_7667dup on transcript NM_000059.4 (MANE Select); coding-DNA positions 7666 to 7667, 2 bases duplicated (AA; older notation c.7666_7667dupAA).
Protein change: p.Asn2556fs; shifts the reading frame from asparagine 2556.
Molecular consequence: frameshift variant.
Genome position (GRCh38, 1-based): chr13:32,357,790-32,357,791, AA duplicated; duplicating any 2 consecutive bases within chr13:32,357,787-32,357,791 gives the same sequence; the c. name uses the placement nearest the transcript's 3' end. VCF-style (leftmost placement, unchanged base first): chr13-32357786-C-CAA. GRCh37 (hg19) VCF-style: chr13-32931923-C-CAA.
Other names: 7895insAA; c.7666_7667dupAA (NM_000059.3); short protein forms N2556fs.
Identifiers: ClinVar variation 267030 (VCV000267030.12), dbSNP rs878853303, ClinGen allele CA10589445.

ClinVar aggregate classification (germline): Pathogenic. Review status: reviewed by expert panel (3 of 4 stars). 4 submissions from 4 submitters: Pathogenic (1). 3 of the submissions do not count toward it. Last evaluated 2016-10-18.

Conditions:
Breast-ovarian cancer, familial, susceptibility to, 2 (BROVCA2). Also called: BRCA2 Hereditary Breast and Ovarian Cancer. Identifiers: Orphanet 145, MedGen C2675520, MONDO:0012933, OMIM 612555. Disease mechanism: loss of function.
Hereditary cancer-predisposing syndrome. Also called: Hereditary neoplastic syndrome; Neoplastic Syndromes, Hereditary; Tumor predisposition; Hereditary Cancer Syndrome. Identifiers: Orphanet 140162, MedGen C0027672, MeSH D009386, MONDO:0015356.
Hereditary breast ovarian cancer syndrome. Also called: BRCA1- and BRCA2-Associated Hereditary Breast and Ovarian Cancer; Hereditary breast and ovarian cancer; Breast and ovarian cancer; Hereditary breast and/or ovarian cancer syndrome; Hereditary breast and ovarian cancer syndrome; Hereditary breast and ovarian cancer syndrome (HBOC). Identifiers: Orphanet 145, MedGen C0677776, MeSH D061325, MONDO:0003582. Disease mechanism: loss of function.

Submissions (4):

Evidence-based Network for the Interpretation of Germline Mutant Alleles (ENIGMA)
Classification: Pathogenic for Breast-ovarian cancer, familial, susceptibility to, 2. Last evaluated: 2016-10-18. Review status: reviewed by expert panel. Criteria: ENIGMA BRCA1/2 Classification Criteria (2015). Collection method: curation. Allele origin: germline.
Comment: Variant allele predicted to encode a truncated non-functional protein.

Women's Health and Genetics/Laboratory Corporation of America, LabCorp
Classification: Pathogenic for Hereditary breast ovarian cancer syndrome. Last evaluated: 2025-07-22. Review status: criteria provided, single submitter. Criteria: LabCorp Variant Classification Summary - May 2015. Collection method: clinical testing. Allele origin: germline. Not counted in ClinVar's aggregate classification.
Comment: Variant summary: BRCA2 c.7666_7667dupAA (p.Asn2556LysfsX93) results in a premature termination codon, predicted to cause a truncation of the encoded protein or absence of the protein due to nonsense mediated decay, which are commonly known mechanisms for disease. The variant was absent in 251154 control chromosomes. c.7666_7667dupAA has been observed in individual(s) affected with Hereditary Breast And Ovarian Cancer Syndrome (example: Rebbeck_2018). These data indicate that the variant may be associated with disease. The following publication has been ascertained in the context of this evaluation (PMID: 29446198). ClinVar contains an entry for this variant (Variation ID: 267030). Based on the evidence outlined above, the variant was classified as pathogenic.

Ambry Genetics
Classification: Pathogenic for Hereditary cancer-predisposing syndrome. Last evaluated: 2018-07-12. Review status: criteria provided, single submitter. Criteria: Ambry Variant Classification Scheme 2023. Collection method: clinical testing. Allele origin: germline. Not counted in ClinVar's aggregate classification.
Comment: The c.7666_7667dupAA pathogenic mutation, located in coding exon 15 of the BRCA2 gene, results from a duplication of AA at nucleotide position 7666, causing a translational frameshift with a predicted alternate stop codon (p.N2556Kfs*93). This mutation has been identified in a Japanese pancreatic cancer cohort (Takai E et al. Oncotarget. 2016 Nov 8;7(45):74227-74235). In addition to the clinical data presented in the literature, this alteration is expected to result in loss of function by premature protein truncation or nonsense-mediated mRNA decay. As such, this alteration is interpreted as a disease-causing mutation.

Consortium of Investigators of Modifiers of BRCA1/2 (CIMBA), c/o University of Cambridge
Classification: Pathogenic for Breast-ovarian cancer, familial, susceptibility to, 2. Last evaluated: 2015-10-02. Review status: criteria provided, single submitter. Criteria: CIMBA Mutation Classification guidelines May 2016. Collection method: clinical testing. Allele origin: germline. Not counted in ClinVar's aggregate classification.

Literature cited by the submitters: PubMed 29446198 (cited by Women's Health and Genetics/Laboratory Corporation of America, LabCorp).